The following is an entry in ClinVar:

ClinVar aggregate classification (germline): Uncertain significance. Review status: criteria provided, multiple submitters, no conflicts (2 of 4 stars). 3 submissions from 3 submitters: Uncertain significance (3). Last evaluated 2025-01-19.

Conditions:
Colorectal cancer. Also called: Colorectal cancer, somatic; Malignant Colorectal Neoplasm. Identifiers: MedGen C0346629, MONDO:0005575, OMIM 114500.
Oligodontia-cancer predisposition syndrome. Also called: TOOTH AGENESIS-COLORECTAL CANCER SYNDROME. Identifiers: Orphanet 300576, MedGen C1837750, MONDO:0012075, OMIM 608615. Disease mechanism: loss of function.
Hereditary cancer-predisposing syndrome. Also called: Hereditary neoplastic syndrome; Neoplastic Syndromes, Hereditary; Tumor predisposition; Hereditary Cancer Syndrome. Identifiers: Orphanet 140162, MedGen C0027672, MeSH D009386, MONDO:0015356.

Allele frequency attached by ClinVar (database versions not stated): TOPMed 0.00001; gnomAD 0.00003.
gnomAD v4.1: 9 of 1,614,262 alleles (0.00056%); highest among the groups gnomAD compares: Non-Finnish European, 0.00059%; no homozygotes.

Submissions (3):

Ambry Genetics
Classification: Uncertain significance for Hereditary cancer-predisposing syndrome. Last evaluated: 2025-01-19. Review status: criteria provided, single submitter. Criteria: Ambry Variant Classification Scheme 2023. Collection method: clinical testing. Allele origin: germline.
Comment: The p.E393D variant (also known as c.1179G>C), located in coding exon 4 of the AXIN2 gene, results from a G to C substitution at nucleotide position 1179. The glutamic acid at codon 393 is replaced by aspartic acid, an amino acid with highly similar properties. This amino acid position is conserved. In addition, the in silico prediction for this alteration is inconclusive. Since supporting evidence is limited at this time, the clinical significance of this alteration remains unclear.

Labcorp Genetics (formerly Invitae), Labcorp
Classification: Uncertain significance for Oligodontia-cancer predisposition syndrome. Last evaluated: 2024-08-29. Review status: criteria provided, single submitter. Criteria: Invitae Variant Classification Sherloc (09022015). Collection method: clinical testing. Allele origin: germline.
Comment: This sequence change replaces glutamic acid, which is acidic and polar, with aspartic acid, which is acidic and polar, at codon 393 of the AXIN2 protein (p.Glu393Asp). This variant is present in population databases (no rsID available, gnomAD 0.007%). This variant has not been reported in the literature in individuals affected with AXIN2-related conditions. ClinVar contains an entry for this variant (Variation ID: 533162). Invitae Evidence Modeling of protein sequence and biophysical properties (such as structural, functional, and spatial information, amino acid conservation, physicochemical variation, residue mobility, and thermodynamic stability) indicates that this missense variant is expected to disrupt AXIN2 protein function with a positive predictive value of 80%. In summary, the available evidence is currently insufficient to determine the role of this variant in disease. Therefore, it has been classified as a Variant of Uncertain Significance.

Baylor Genetics
Classification: Uncertain significance for Colorectal cancer. Last evaluated: 2023-09-18. Review status: criteria provided, single submitter. Criteria: ACMG Guidelines, 2015. Collection method: clinical testing. Allele origin: unknown.

NM_004655.4(AXIN2):c.1179G>C (p.Glu393Asp)

Gene: AXIN2 (axin 2; minus strand). Cytogenetic location: 17q24.1.
Variant type: single nucleotide variant.
Coding change: c.1179G>C on transcript NM_004655.4 (MANE Select); coding-DNA position 1179, G replaced by C.
Protein change: p.Glu393Asp; replaces glutamic acid 393 with aspartic acid.
Molecular consequence: missense variant.
Genome position (GRCh38, 1-based): chr17:65,538,224, C>G on the plus strand (G>C on the coding strand, the complement: AXIN2 is on the minus strand). VCF-style: chr17-65538224-C-G. GRCh37 (hg19) VCF-style: chr17-63534342-C-G.
Other names: c.1179G>C, p.Glu393Asp (NM_001363813.1); c.1179G>C (LRG_296t1); short protein forms E393D.
Identifiers: ClinVar variation 533162 (VCV000533162.13), dbSNP rs922684515, ClinGen allele CA400678186.
Genomic context (GRCh38, chr17:65,538,224, plus strand): 5'-CCGTGGACGGAAGCAGGAAGAAGGCCTAGGCCGCATTACCTCTCGGATCTGCTGCAGGCG[C>G]TCCTCCAGGCTGTGGCGGCTCTCCAACTCCAGCTTCAGCTTTTCCAGCCTCGAGATCAGC-3'
Protein context (NP_004646.3, residues 383-403): LELESRHSLE[Glu393Asp]RLQQIREDEE